The following is an entry in ClinVar:

NM_001367823.1(ARHGEF18):c.3598C>T (p.Arg1200Trp)

Gene: ARHGEF18 (Rho/Rac guanine nucleotide exchange factor 18; plus strand). Cytogenetic location: 19p13.2.
Variant type: single nucleotide variant.
Coding change: c.3598C>T on transcript NM_001367823.1 (MANE Select); coding-DNA position 3598, C replaced by T.
Protein change: p.Arg1200Trp; replaces arginine 1200 with tryptophan.
Molecular consequence: missense variant.
Genome position (GRCh38, 1-based): chr19:7,468,942, C>T. VCF-style: chr19-7468942-C-T. GRCh37 (hg19) VCF-style: chr19-7533828-C-T.
Other names: c.2872C>T, p.Arg958Trp (NM_001130955.2); c.2560C>T, p.Arg854Trp (NM_001367824.1, NM_015318.4); c.3034C>T (NM_001130955.1); short protein forms R1200W, R854W, R958W.
Identifiers: ClinVar variation 1485158 (VCV001485158.5), dbSNP rs374312353, ClinGen allele CA9137183.

ClinVar aggregate classification (germline): Uncertain significance. Review status: criteria provided, multiple submitters, no conflicts (2 of 4 stars). 2 submissions from 2 submitters: Uncertain significance (2). Last evaluated 2025-11-19.

Conditions:
Inborn genetic diseases. Identifiers: MedGen C0950123, MeSH D030342.

Allele frequency attached by ClinVar (database versions not stated): gnomAD 0.00004 and 0.00003; TOPMed 0.00004; gnomAD exomes 0.00001; ESP Exome Variant Server 0.00016.
gnomAD v4.1: 18 of 1,570,744 alleles (0.0011%); highest among the groups gnomAD compares: African/African-American, 0.0042%; no homozygotes.

Submissions (2):

Ambry Genetics
Classification: Uncertain significance for Inborn genetic diseases. Last evaluated: 2025-11-19. Review status: criteria provided, single submitter. Criteria: Ambry Variant Classification Scheme 2023. Collection method: clinical testing. Allele origin: germline.

Labcorp Genetics (formerly Invitae), Labcorp
Classification: Uncertain significance. Last evaluated: 2022-07-05. Review status: criteria provided, single submitter. Criteria: Invitae Variant Classification Sherloc (09022015). Collection method: clinical testing. Allele origin: germline.
Comment: This sequence change replaces arginine, which is basic and polar, with tryptophan, which is neutral and slightly polar, at codon 1012 of the ARHGEF18 protein (p.Arg1012Trp). The frequency data for this variant in the population databases is considered unreliable, as metrics indicate poor data quality at this position in the gnomAD database. This variant has not been reported in the literature in individuals affected with ARHGEF18-related conditions. ClinVar contains an entry for this variant (Variation ID: 1485158). Algorithms developed to predict the effect of missense changes on protein structure and function output the following: SIFT: "Tolerated"; PolyPhen-2: "Benign"; Align-GVGD: "Class C0". The tryptophan amino acid residue is found in multiple mammalian species, which suggests that this missense change does not adversely affect protein function. In summary, the available evidence is currently insufficient to determine the role of this variant in disease. Therefore, it has been classified as a Variant of Uncertain Significance.